The following is an entry in ClinVar:

ClinVar aggregate classification (germline): Uncertain significance (1 of 4 stars; one submission).

Conditions:
Severe combined immunodeficiency due to DNA-PKcs deficiency. Also called: IMMUNODEFICIENCY 26 WITH NEUROLOGIC ABNORMALITIES; Immunodeficiency 26 with or without neurologic abnormalities. Identifiers: Orphanet 317425, MedGen C4014833, MONDO:0014423, OMIM 615966.

gnomAD v4.1: 1 of 1,613,586 alleles (0.000062%); highest among the groups gnomAD compares: Non-Finnish European, 0.000085%; no homozygotes.

Submission:

Labcorp Genetics (formerly Invitae), Labcorp
Classification: Uncertain significance for Severe combined immunodeficiency due to DNA-PKcs deficiency. Last evaluated: 2023-10-03. Review status: criteria provided, single submitter. Criteria: Invitae Variant Classification Sherloc (09022015). Collection method: clinical testing. Allele origin: germline.
Comment: This sequence change replaces glutamine with histidine at codon 2834 of the PRKDC protein (p.Gln2834His). The glutamine residue is moderately conserved and there is a small physicochemical difference between glutamine and histidine. This variant is not present in population databases (gnomAD no frequency). This variant has not been reported in the literature in individuals affected with PRKDC-related conditions. ClinVar contains an entry for this variant (Variation ID: 1377435). Advanced modeling of protein sequence and biophysical properties (such as structural, functional, and spatial information, amino acid conservation, physicochemical variation, residue mobility, and thermodynamic stability) performed at Invitae indicates that this missense variant is not expected to disrupt PRKDC protein function. In summary, the available evidence is currently insufficient to determine the role of this variant in disease. Therefore, it has been classified as a Variant of Uncertain Significance.

NM_006904.7(PRKDC):c.8502A>C (p.Gln2834His)

Gene: PRKDC (protein kinase, DNA-activated, catalytic subunit; minus strand). Cytogenetic location: 8q11.21.
Variant type: single nucleotide variant.
Coding change: c.8502A>C on transcript NM_006904.7 (MANE Select); coding-DNA position 8502, A replaced by C.
Protein change: p.Gln2834His; replaces glutamine 2834 with histidine.
Molecular consequence: missense variant.
Genome position (GRCh38, 1-based): chr8:47,828,243, T>G on the plus strand (A>C on the coding strand, the complement: PRKDC is on the minus strand). VCF-style: chr8-47828243-T-G. GRCh37 (hg19) VCF-style: chr8-48740804-T-G.
Other names: c.8502A>C, p.Gln2834His (NM_001081640.2); short protein forms Q2834H.
Identifiers: ClinVar variation 1377435 (VCV001377435.6), dbSNP rs2154499282, ClinGen allele CA371144451.